The following is an entry in ClinVar:

NM_001379500.1(COL18A1):c.2666G>C (p.Gly889Ala)

Gene: COL18A1 (collagen type XVIII alpha 1 chain; plus strand). Cytogenetic location: 21q22.3.
Variant type: single nucleotide variant.
Coding change: c.2666G>C on transcript NM_001379500.1 (MANE Select); coding-DNA position 2666, G replaced by C.
Protein change: p.Gly889Ala; replaces glycine 889 with alanine.
Molecular consequence: missense variant.
Genome position (GRCh38, 1-based): chr21:45,497,644, G>C. VCF-style: chr21-45497644-G-C. GRCh37 (hg19) VCF-style: chr21-46917558-G-C.
Other names: c.3206G>C, p.Gly1069Ala (NM_030582.4); c.3911G>C, p.Gly1304Ala (NM_130444.3); short protein forms G889A, G1304A, G1069A.
Identifiers: ClinVar variation 1470440 (VCV001470440.6), dbSNP rs2036588007, ClinGen allele CA410498225.
Genomic context (GRCh38, chr21:45,497,644, plus strand): 5'-TCTCTCTTCCTCCAGGGAATCAGGGCCCTCCAGGACCCAAGGGCGCCAAAGGAGAAGTGG[G>C]CCCCCCCGGACCACCAGGTGAGCAACTCTGGACATCCCAGGCAGGAGAGCCATGGCGTGG-3'
Protein context (NP_001366429.1, residues 879-899): PGPKGAKGEV[Gly889Ala]PPGPPGQFPF

ClinVar aggregate classification (germline): Uncertain significance (1 of 4 stars; one submission).

Allele frequency attached by ClinVar (database versions not stated): gnomAD 0.00001.
gnomAD v4.1: 3 of 1,568,382 alleles (0.00019%); highest among the groups gnomAD compares: African/African-American, 0.0027%; no homozygotes.

Submission:

Labcorp Genetics (formerly Invitae), Labcorp
Classification: Uncertain significance. Last evaluated: 2021-05-21. Review status: criteria provided, single submitter. Criteria: Invitae Variant Classification Sherloc (09022015). Collection method: clinical testing. Allele origin: germline.
Comment: In summary, the available evidence is currently insufficient to determine the role of this variant in disease. Therefore, it has been classified as a Variant of Uncertain Significance. Experimental studies and prediction algorithms are not available or were not evaluated, and the functional significance of this variant is currently unknown. This variant has not been reported in the literature in individuals with COL18A1-related conditions. This variant is not present in population databases (ExAC no frequency). This sequence change replaces glycine with alanine at codon 889 of the COL18A1 protein (p.Gly889Ala). There is a small physicochemical difference between glycine and alanine.